The following is an entry in ClinVar:

ClinVar aggregate classification (germline): Uncertain significance (1 of 4 stars; one submission).

Conditions:
Hereditary cancer-predisposing syndrome. Also called: Neoplastic Syndromes, Hereditary; Tumor predisposition; Hereditary Cancer Syndrome; Hereditary neoplastic syndrome. Identifiers: Orphanet 140162, MedGen C0027672, MeSH D009386, MONDO:0015356.

Submission:

Ambry Genetics
Classification: Uncertain significance for Hereditary cancer-predisposing syndrome. Last evaluated: 2025-10-23. Review status: criteria provided, single submitter. Criteria: Ambry Variant Classification Scheme 2023. Collection method: clinical testing. Allele origin: germline.
Comment: The p.I183L variant (also known as c.547A>C), located in coding exon 3 of the FLCN gene, results from an A to C substitution at nucleotide position 547. The isoleucine at codon 183 is replaced by leucine, an amino acid with highly similar properties. This amino acid position is conserved. In addition, the in silico prediction for this alteration is inconclusive. Based on the available evidence, the clinical significance of this variant remains unclear.

NM_144997.7(FLCN):c.547A>C (p.Ile183Leu)

Gene: FLCN (folliculin; minus strand). Cytogenetic location: 17p11.2.
Variant type: single nucleotide variant.
Coding change: c.547A>C on transcript NM_144997.7 (MANE Select); coding-DNA position 547, A replaced by C.
Protein change: p.Ile183Leu; replaces isoleucine 183 with leucine.
Molecular consequence: missense variant.
Genome position (GRCh38, 1-based): chr17:17,223,993, T>G on the plus strand (A>C on the coding strand, the complement: FLCN is on the minus strand). VCF-style: chr17-17223993-T-G. GRCh37 (hg19) VCF-style: chr17-17127307-T-G.
Other names: c.601A>C, p.Ile201Leu (NM_001353229.2); c.547A>C, p.Ile183Leu (NM_001353230.2, NM_001353231.2, NM_144606.7); short protein forms I201L, I183L.
Identifiers: ClinVar variation 4643034 (VCV004643034.1).